The following is an entry in ClinVar:

ClinVar aggregate classification (germline): Uncertain significance (1 of 4 stars; one submission).

Conditions:
46,XY sex reversal 9 (SRXY9). Also called: 46,XY SEX REVERSAL, ZFPM2-RELATED. Identifiers: Orphanet 251510, MedGen C4015129, MONDO:0014480, OMIM 616067.

Submission:

Labcorp Genetics (formerly Invitae), Labcorp
Classification: Uncertain significance for 46,XY sex reversal 9. Last evaluated: 2022-08-05. Review status: criteria provided, single submitter. Criteria: Invitae Variant Classification Sherloc (09022015). Collection method: clinical testing. Allele origin: germline.
Comment: In summary, the available evidence is currently insufficient to determine the role of this variant in disease. Therefore, it has been classified as a Variant of Uncertain Significance. This variant has not been reported in the literature in individuals affected with ZFPM2-related conditions. This variant results in a copy number gain of the genomic region encompassing exon(s) 1-5 of the ZFPM2 gene. This region includes the initiator codon of the gene. This copy number gain extends beyond the assayed region for this gene and therefore may encompass additional genes. As the precise location of this event is unknown, it may be in tandem or it may be located elsewhere in the genome.

NC_000008.10:g.(?_106331170)_(106674812_?)dup

Gene: ZFPM2 (zinc finger protein, FOG family member 2; plus strand). Cytogenetic location: 8q23.1.
Variant type: Duplication.
Identifiers: ClinVar variation 2425757 (VCV002425757.4).